The following is an entry in ClinVar:

ClinVar aggregate classification (germline): Uncertain significance (1 of 4 stars; one submission).

Conditions:
Inborn genetic diseases. Identifiers: MedGen C0950123, MeSH D030342.

Submission:

Ambry Genetics
Classification: Uncertain significance for Inborn genetic diseases. Last evaluated: 2022-04-10. Review status: criteria provided, single submitter. Criteria: Ambry Variant Classification Scheme 2023. Collection method: clinical testing. Allele origin: germline.
Comment: The p.I646T variant (also known as c.1937T>C), located in coding exon 21 of the ERCC2 gene, results from a T to C substitution at nucleotide position 1937. The isoleucine at codon 646 is replaced by threonine, an amino acid with similar properties. This amino acid position is conserved. In addition, this alteration is predicted to be deleterious by in silico analysis. Since supporting evidence is limited at this time, the clinical significance of this alteration remains unclear.

NM_000400.4(ERCC2):c.1937T>C (p.Ile646Thr)

Gene: ERCC2 (ERCC excision repair 2, TFIIH core complex helicase subunit; minus strand). Cytogenetic location: 19q13.32.
Variant type: single nucleotide variant.
Coding change: c.1937T>C on transcript NM_000400.4 (MANE Select); coding-DNA position 1937, T replaced by C.
Protein change: p.Ile646Thr; replaces isoleucine 646 with threonine.
Molecular consequence: missense variant.
Genome position (GRCh38, 1-based): chr19:45,352,615, A>G on the plus strand (T>C on the coding strand, the complement: ERCC2 is on the minus strand). VCF-style: chr19-45352615-A-G. GRCh37 (hg19) VCF-style: chr19-45855873-A-G.
Other names: short protein forms I646T.
Identifiers: ClinVar variation 1782989 (VCV001782989.2), dbSNP rs920483959, ClinGen allele CA308950894.